The following is an entry in ClinVar:

ClinVar aggregate classification (germline): Uncertain significance (1 of 4 stars; one submission).

Submission:

Labcorp Genetics (formerly Invitae), Labcorp
Classification: Uncertain significance. Last evaluated: 2024-04-05. Review status: criteria provided, single submitter. Criteria: Invitae Variant Classification Sherloc (09022015). Collection method: clinical testing. Allele origin: germline.
Comment: This variant, c.2148_2150del, results in the deletion of 1 amino acid(s) of the SAMD9 protein (p.Met717del), but otherwise preserves the integrity of the reading frame. This variant is not present in population databases (gnomAD no frequency). This variant has not been reported in the literature in individuals affected with SAMD9-related conditions. Experimental studies and prediction algorithms are not available or were not evaluated, and the functional significance of this variant is currently unknown. In summary, the available evidence is currently insufficient to determine the role of this variant in disease. Therefore, it has been classified as a Variant of Uncertain Significance.

NM_017654.4(SAMD9):c.2148_2150del (p.Met717del)

Gene: SAMD9 (sterile alpha motif domain containing 9; minus strand). Cytogenetic location: 7q21.2.
Variant type: Deletion.
Coding change: c.2148_2150del on transcript NM_017654.4 (MANE Select); coding-DNA positions 2148 to 2150, 3 bases deleted (AAT; older notation c.2148_2150delAAT).
Protein change: p.Met717del; deletes methionine 717.
Molecular consequence: inframe deletion.
Genome position (GRCh38, 1-based): chr7:93,103,948-93,103,950, ATT deleted on the plus strand (AAT on the coding strand, the reverse complement: SAMD9 is on the minus strand). VCF-style (leftmost placement, unchanged base first): chr7-93103947-CATT-C. GRCh37 (hg19) VCF-style: chr7-92733260-CATT-C.
Other names: c.2148_2150del, p.Met717del (NM_001193307.2); short protein forms M717del.
Identifiers: ClinVar variation 2818324 (VCV002818324.3), dbSNP rs2535358921, ClinGen allele CA2739278680.
Genomic context (GRCh38, chr7:93,103,947, plus strand): 5'-ATGATACAGATGAATAATTTTGGTACTTGTTGGTTTAGAAGAATCTGCACAGTTTTGAAT[CATT>C]GCTTCAAGTCTTTCATATTTATCCCTTTTGACAAAAGGTGAAGAATAACTTTCAGAAGAG-3'